The following is an entry in ClinVar:

ClinVar aggregate classification (germline): Likely benign. Review status: criteria provided, multiple submitters, no conflicts (2 of 4 stars). 3 submissions from 3 submitters: Likely benign (3). Last evaluated 2022-02-23.

Conditions:
Inborn genetic diseases. Identifiers: MedGen C0950123, MeSH D030342.
Autosomal dominant childhood-onset proximal spinal muscular atrophy with contractures (SMALED2A). Also called: Spinal muscular atrophy, lower extremity-predominant, 2A, autosomal dominant; SPINAL MUSCULAR ATROPHY, LOWER EXTREMITY-PREDOMINANT, 2A, CHILDHOOD ONSET, AUTOSOMAL DOMINANT. Identifiers: Orphanet 363447, Orphanet 363454, MedGen C4747715, MONDO:0014121, OMIM 615290.

Submissions (3):

Labcorp Genetics (formerly Invitae), Labcorp
Classification: Likely benign for Autosomal dominant childhood-onset proximal spinal muscular atrophy with contractures. Last evaluated: 2022-02-23. Review status: criteria provided, single submitter. Criteria: Invitae Variant Classification Sherloc (09022015). Collection method: clinical testing. Allele origin: germline.

Ambry Genetics
Classification: Likely benign for Inborn genetic diseases. Last evaluated: 2019-07-11. Review status: criteria provided, single submitter. Criteria: Ambry Variant Classification Scheme 2023. Collection method: clinical testing. Allele origin: germline.

GeneDx
Classification: Likely benign. Last evaluated: 2017-06-28. Review status: criteria provided, single submitter. Criteria: GeneDx Variant Classification (06012015). Collection method: clinical testing. Allele origin: germline. Affected: yes.
Comment: This variant is considered likely benign or benign based on one or more of the following criteria: it is a conservative change, it occurs at a poorly conserved position in the protein, it is predicted to be benign by multiple in silico algorithms, and/or has population frequency not consistent with disease.

NM_001003800.2(BICD2):c.307C>T (p.Leu103=)

Gene: BICD2 (BICD cargo adaptor 2; minus strand). Cytogenetic location: 9q22.31.
Variant type: single nucleotide variant.
Coding change: c.307C>T on transcript NM_001003800.2 (MANE Select); coding-DNA position 307, C replaced by T.
Protein change: p.Leu103=; no amino-acid change (leucine 103 retained).
Molecular consequence: synonymous variant.
Genome position (GRCh38, 1-based): chr9:92,729,170, G>A on the plus strand (C>T on the coding strand, the complement: BICD2 is on the minus strand). VCF-style: chr9-92729170-G-A. GRCh37 (hg19) VCF-style: chr9-95491452-G-A.
Other names: c.307C>T, p.Leu103= (NM_015250.4).
Identifiers: ClinVar variation 510496 (VCV000510496.8), dbSNP rs1554706634, ClinGen allele CA466029915.
Genomic context (GRCh38, chr9:92,729,170, plus strand): 5'-TCTGCAGCTCTAGCACCTTCCGCACGTAGTACTGCTCCTTGGAGGCCGACTCCTGGATCA[G>A]GCTCTCCTCCCGGCTCTCTCCGTCAGCAGCCACCTTCTTGTGGTTTGTGTGTGCTTGTCC-3'
Protein context (NP_001003800.1, residues 93-113): AADGESREES[Leu103=]IQESASKEQY